The following is an entry in ClinVar:

NM_001851.6(COL9A1):c.1282A>C (p.Met428Leu)

Gene: COL9A1 (collagen type IX alpha 1 chain; minus strand). Cytogenetic location: 6q13.
Variant type: single nucleotide variant.
Coding change: c.1282A>C on transcript NM_001851.6 (MANE Select); coding-DNA position 1282, A replaced by C.
Protein change: p.Met428Leu; replaces methionine 428 with leucine.
Molecular consequence: missense variant. On other transcripts: non-coding transcript variant (1).
Genome position (GRCh38, 1-based): chr6:70,268,809, T>G on the plus strand (A>C on the coding strand, the complement: COL9A1 is on the minus strand). VCF-style: chr6-70268809-T-G. GRCh37 (hg19) VCF-style: chr6-70978512-T-G.
Other names: c.553A>C, p.Met185Leu (NM_001377289.1, NM_001377290.1, NM_078485.4); c.1282A>C (NM_001851.4); short protein forms M185L, M428L.
Identifiers: ClinVar variation 1016648 (VCV001016648.8), dbSNP rs146274972, ClinGen allele CA3882309.
Genomic context (GRCh38, chr6:70,268,809, plus strand): 5'-GGCTCCATTTTATCTGTGGATAATACTCTTAAAATACTGGAAGTTATTCTCTTACCCTCA[T>G]GCCTGGTAGGCCTGGATATCCTGAGCGACCTGGTGGACAGGCATTGGGACACTGCCAGGG-3'
Protein context (NP_001842.3, residues 418-438): GRSGYPGLPG[Met428Leu]RGHKGAKGEI

ClinVar aggregate classification (germline): Uncertain significance. Review status: criteria provided, multiple submitters, no conflicts (2 of 4 stars). 3 submissions from 3 submitters: Uncertain significance (3). Last evaluated 2026-01-16.

Conditions:
Inborn genetic diseases. Identifiers: MedGen C0950123, MeSH D030342.

Allele frequency attached by ClinVar (database versions not stated): gnomAD exomes 0.00001 and 0.00002; ExAC 0.00003; gnomAD 0.00011; TOPMed 0.00012; ESP Exome Variant Server 0.00023.
gnomAD v4.1: 29 of 1,613,242 alleles (0.0018%); highest among the groups gnomAD compares: African/African-American, 0.033%; no homozygotes.

Submissions (3):

Women's Health and Genetics/Laboratory Corporation of America, LabCorp
Classification: Uncertain significance. Last evaluated: 2026-01-16. Review status: criteria provided, single submitter. Criteria: LabCorp Variant Classification Summary - May 2015. Collection method: clinical testing. Allele origin: germline.
Comment: Variant summary: COL9A1 c.1282A>C (p.Met428Leu) results in a conservative amino acid change in the encoded protein sequence. Algorithms developed to predict the effect of missense changes on protein structure and function are either unavailable or do not agree on the potential impact of this missense change. The variant allele was found at a frequency of 1.6e-05 in 251112 control chromosomes. The available data on variant occurrences in the general population are insufficient to allow any conclusion about variant significance. To our knowledge, no occurrence of c.1282A>C in individuals affected with COL9A1-related conditions and no experimental evidence demonstrating its impact on protein function have been reported. ClinVar contains an entry for this variant (Variation ID: 1016648). Based on the evidence outlined above, the variant was classified as uncertain significance.

Labcorp Genetics (formerly Invitae), Labcorp
Classification: Uncertain significance. Last evaluated: 2022-08-16. Review status: criteria provided, single submitter. Criteria: Invitae Variant Classification Sherloc (09022015). Collection method: clinical testing. Allele origin: germline.
Comment: This variant is present in population databases (rs146274972, gnomAD 0.03%). In summary, the available evidence is currently insufficient to determine the role of this variant in disease. Therefore, it has been classified as a Variant of Uncertain Significance. Advanced modeling of protein sequence and biophysical properties (such as structural, functional, and spatial information, amino acid conservation, physicochemical variation, residue mobility, and thermodynamic stability) performed at Invitae indicates that this missense variant is not expected to disrupt COL9A1 protein function. ClinVar contains an entry for this variant (Variation ID: 1016648). This variant has not been reported in the literature in individuals affected with COL9A1-related conditions. This sequence change replaces methionine, which is neutral and non-polar, with leucine, which is neutral and non-polar, at codon 428 of the COL9A1 protein (p.Met428Leu).

Ambry Genetics
Classification: Uncertain significance for Inborn genetic diseases. Last evaluated: 2022-07-08. Review status: criteria provided, single submitter. Criteria: Ambry Variant Classification Scheme 2023. Collection method: clinical testing. Allele origin: germline.